The following is an entry in ClinVar:

NM_033641.4(COL4A6):c.748A>G (p.Met250Val)

Gene: COL4A6 (collagen type IV alpha 6 chain; minus strand). Cytogenetic location: Xq22.3.
Variant type: single nucleotide variant.
Coding change: c.748A>G on transcript NM_033641.4 (MANE Select); coding-DNA position 748, A replaced by G.
Protein change: p.Met250Val; replaces methionine 250 with valine.
Molecular consequence: missense variant.
Genome position (GRCh38, 1-based): chrX:108,204,352, T>C on the plus strand (A>G on the coding strand, the complement: COL4A6 is on the minus strand). VCF-style: chrX-108204352-T-C. GRCh37 (hg19) VCF-style: chrX-107447582-T-C.
Other names: c.748A>G, p.Met250Val (NM_001287758.2, NM_001287759.2, NM_001287760.2); c.751A>G, p.Met251Val (NM_001847.4); short protein forms M251V, M250V.
Identifiers: ClinVar variation 1905291 (VCV001905291.5), dbSNP rs771974140, ClinGen allele CA413902894.

ClinVar aggregate classification (germline): Uncertain significance (1 of 4 stars; one submission).

Allele frequency attached by ClinVar (database versions not stated): TOPMed below 0.00001.
gnomAD v4.1: 1 of 1,203,294 alleles (0.000083%); highest among the groups gnomAD compares: East Asian, 0.003%; no homozygotes.

Submission:

Labcorp Genetics (formerly Invitae), Labcorp
Classification: Uncertain significance. Last evaluated: 2024-02-17. Review status: criteria provided, single submitter. Criteria: Invitae Variant Classification Sherloc (09022015). Collection method: clinical testing. Allele origin: germline.
Comment: This sequence change replaces methionine, which is neutral and non-polar, with valine, which is neutral and non-polar, at codon 251 of the COL4A6 protein (p.Met251Val). This variant is not present in population databases (gnomAD no frequency). This variant has not been reported in the literature in individuals affected with COL4A6-related conditions. ClinVar contains an entry for this variant (Variation ID: 1905291). Advanced modeling of protein sequence and biophysical properties (such as structural, functional, and spatial information, amino acid conservation, physicochemical variation, residue mobility, and thermodynamic stability) performed at Invitae indicates that this missense variant is not expected to disrupt COL4A6 protein function with a negative predictive value of 80%. In summary, the available evidence is currently insufficient to determine the role of this variant in disease. Therefore, it has been classified as a Variant of Uncertain Significance.